The following is an entry in ClinVar:

ClinVar aggregate classification (germline): Uncertain significance (1 of 4 stars; one submission).

Conditions:
Malignant hyperthermia, susceptibility to, 5 (MHS5). Also called: CACNA1S-Related Malignant Hyperthermia Susceptibility. Identifiers: Orphanet 423, MedGen C1866077, MONDO:0011163, OMIM 601887.

gnomAD v4.1: 3 of 1,612,636 alleles (0.00019%); highest among the groups gnomAD compares: Non-Finnish European, 0.00025%; no homozygotes.

Submission:

Color Diagnostics, LLC DBA Color Health
Classification: Uncertain significance for Malignant hyperthermia, susceptibility to, 5. Last evaluated: 2025-07-03. Review status: criteria provided, single submitter. Criteria: ACMG Guidelines, 2015. Collection method: clinical testing. Allele origin: germline.
Comment: This variant causes a G>A nucleotide substitution at the +1 position of intron 11 of the CACNA1S gene. Splice site prediction tools suggest that this variant may have a significant impact on RNA splicing. To our knowledge, RNA studies have not been reported for this variant. This variant has not been reported in individuals affected with CACNA1S-related disorders in the literature. This variant has been identified in 1/31388 chromosomes in the general population by the Genome Aggregation Database (gnomAD). The available evidence is insufficient to determine the role of this variant in disease conclusively. Therefore, this variant is classified as a Variant of Uncertain Significance.

NM_000069.3(CACNA1S):c.1619+1G>A

Gene: CACNA1S (calcium voltage-gated channel subunit alpha1 S; minus strand). Cytogenetic location: 1q32.1.
Variant type: single nucleotide variant.
Coding change: c.1619+1G>A on transcript NM_000069.3 (MANE Select); the canonical splice donor site of the intron after coding-DNA position 1619, G replaced by A.
Molecular consequence: splice donor variant.
Genome position (GRCh38, 1-based): chr1:201,077,878, C>T on the plus strand (G>A on the coding strand, the complement: CACNA1S is on the minus strand). VCF-style: chr1-201077878-C-T. GRCh37 (hg19) VCF-style: chr1-201047006-C-T.
Identifiers: ClinVar variation 4758608 (VCV004758608.1).